The following is an entry in ClinVar:

NM_000535.7(PMS2):c.1144+10A>G

Gene: PMS2 (PMS1 homolog 2, mismatch repair system component; minus strand). Cytogenetic location: 7p22.1.
Variant type: single nucleotide variant.
Coding change: c.1144+10A>G on transcript NM_000535.7 (MANE Select); 10 bases into the intron after coding-DNA position 1144, A replaced by G.
Molecular consequence: intron variant.
Genome position (GRCh38, 1-based): chr7:5,989,790, T>C on the plus strand (A>G on the coding strand, the complement: PMS2 is on the minus strand). VCF-style: chr7-5989790-T-C. GRCh37 (hg19) VCF-style: chr7-6029421-T-C.
Other names: c.826+10A>G (NM_001322008.2, NM_001322007.2); c.584-2170A>G (NM_001322010.2); c.739+10A>G (NM_001322004.2, NM_001322003.2, NM_001322009.2 and 1 more transcripts); c.571+10A>G (NM_001322013.2); c.211+10A>G (NM_001322012.2, NM_001322011.2); c.835+10A>G (NM_001322015.2); c.989-2170A>G (NM_001322006.2); c.1144+10A>G (NM_001322014.2).
Identifiers: ClinVar variation 2183182 (VCV002183182.5), dbSNP rs1583333806, ClinGen allele CA1097963985.

ClinVar aggregate classification (germline): Likely benign. Review status: criteria provided, multiple submitters, no conflicts (2 of 4 stars). 2 submissions from 2 submitters: Likely benign (2). Last evaluated 2025-06-24.

Conditions:
Hereditary nonpolyposis colorectal neoplasms. Identifiers: MedGen C0009405, MeSH D003123.
Lynch syndrome 4 (LYNCH4). Also called: Colorectal cancer, hereditary nonpolyposis, type 4; Hereditary non-polyposis colorectal cancer, type 4. Identifiers: Orphanet 144, MedGen C1838333, MONDO:0013699, OMIM 614337. Disease mechanism: loss of function.

Allele frequency attached by ClinVar (database versions not stated): TOPMed below 0.00001; gnomAD 0.00001.
gnomAD v4.1: 1 of 1,608,728 alleles (0.000062%); highest among the groups gnomAD compares: African/African-American, 0.0013%; no homozygotes.

Submissions (2):

Labcorp Genetics (formerly Invitae), Labcorp
Classification: Likely benign for Hereditary nonpolyposis colorectal neoplasms. Last evaluated: 2025-06-24. Review status: criteria provided, single submitter. Criteria: Invitae Variant Classification Sherloc (09022015). Collection method: clinical testing. Allele origin: germline.

Myriad Genetics, Inc.
Classification: Likely benign for Lynch syndrome 4. Last evaluated: 2025-01-29. Review status: criteria provided, single submitter. Criteria: Myriad Autosomal Dominant, Autosomal Recessive and X-Linked Classification Criteria (2023). Collection method: clinical testing. Allele origin: unknown.
Comment: This variant is considered likely benign. This variant is intronic and is not expected to impact mRNA splicing.